The following is an entry in ClinVar:

ClinVar aggregate classification (germline): Uncertain significance. Review status: criteria provided, multiple submitters, no conflicts (2 of 4 stars). 4 submissions from 4 submitters: Uncertain significance (3). 1 of the submissions does not count toward it. Last evaluated 2024-12-27.

Conditions:
Usher syndrome type 1D (USH1D). Also called: USHER SYNDROME, TYPE ID. Identifiers: Orphanet 231169, Orphanet 886, MedGen C1832845, MONDO:0010984, OMIM 601067.
Autosomal recessive nonsyndromic hearing loss 23. Identifiers: Orphanet 90636, MedGen C1836027, MONDO:0012293, OMIM 609533.
Usher syndrome type 1F (USH1F). Also called: USHER SYNDROME, TYPE IF. Identifiers: Orphanet 231169, Orphanet 886, MedGen C1865885, MONDO:0011186, OMIM 602083.

Allele frequency attached by ClinVar (database versions not stated): TOPMed 0.00001; gnomAD 0.00001.
gnomAD v4.1: 9 of 1,613,910 alleles (0.00056%); highest among the groups gnomAD compares: African/African-American, 0.0013%; no homozygotes.

Submissions (4):

GeneDx
Classification: Uncertain significance. Last evaluated: 2024-12-27. Review status: criteria provided, single submitter. Criteria: GeneDx Variant Classification Process June 2021. Collection method: clinical testing. Allele origin: germline. Affected: yes.
Comment: Not observed at significant frequency in large population cohorts (gnomAD); In silico analysis indicates that this missense variant does not alter protein structure/function; Has not been previously published as pathogenic or benign to our knowledge

Labcorp Genetics (formerly Invitae), Labcorp
Classification: Uncertain significance. Last evaluated: 2022-02-23. Review status: criteria provided, single submitter. Criteria: Invitae Variant Classification Sherloc (09022015). Collection method: clinical testing. Allele origin: germline.
Comment: This sequence change replaces alanine, which is neutral and non-polar, with glycine, which is neutral and non-polar, at codon 1897 of the PCDH15 protein (p.Ala1897Gly). This variant is present in population databases (no rsID available, gnomAD 0.002%). This variant has not been reported in the literature in individuals affected with PCDH15-related conditions. ClinVar contains an entry for this variant (Variation ID: 1046251). Algorithms developed to predict the effect of missense changes on protein structure and function are either unavailable or do not agree on the potential impact of this missense change (SIFT: "Tolerated"; PolyPhen-2: "Not Available"; Align-GVGD: "Class C0"). Algorithms developed to predict the effect of sequence changes on RNA splicing suggest that this variant may create or strengthen a splice site. In summary, the available evidence is currently insufficient to determine the role of this variant in disease. Therefore, it has been classified as a Variant of Uncertain Significance.

Department of Pathology and Laboratory Medicine, Sinai Health System
Classification: Uncertain significance for Usher syndrome type 1D; Usher syndrome type 1F; Autosomal recessive nonsyndromic hearing loss 23. Last evaluated: 2021-08-06. Review status: criteria provided, single submitter. Criteria: ACMG Guidelines, 2015. Collection method: research. Allele origin: germline.

Natera, Inc.
Classification: Uncertain significance for Usher syndrome type 1F. Last evaluated: 2021-03-09. Review status: no assertion criteria provided. Collection method: clinical testing. Allele origin: germline. Not counted in ClinVar's aggregate classification.

NM_033056.4(PCDH15):c.5690C>G (p.Ala1897Gly)

Gene: PCDH15 (protocadherin related 15; minus strand). Cytogenetic location: 10q21.1.
Variant type: single nucleotide variant.
Coding change: c.5690C>G on transcript NM_033056.4 (MANE Plus Clinical); coding-DNA position 5690, C replaced by G.
Protein change: p.Ala1897Gly; replaces alanine 1897 with glycine.
Molecular consequence: missense variant. On other transcripts: intron variant (8).
Genome position (GRCh38, 1-based): chr10:53,822,036, G>C on the plus strand (C>G on the coding strand, the complement: PCDH15 is on the minus strand). VCF-style: chr10-53822036-G-C. GRCh37 (hg19) VCF-style: chr10-55581796-G-C.
Other names: c.5630C>G, p.Ala1877Gly (NM_001142768.2); c.5621C>G, p.Ala1874Gly (NM_001142773.2); c.5624C>G, p.Ala1875Gly (NM_001354404.2); c.4367+5357C>G (NM_001354420.2); c.4368-4023C>G (NM_001354429.2); c.4368-1806C>G (NM_001384140.1); c.4373+3100C>G (NM_001142772.2, NM_001142770.3); c.4388+3100C>G (NM_001142771.2); and 8 more; short protein forms A1828G, A1904G, A1874G, A1857G, A1875G, A1877G, A1894G, A1897G.
Identifiers: ClinVar variation 1046251 (VCV001046251.9), dbSNP rs774976789, ClinGen allele CA207218569.
Genomic context (GRCh38, chr10:53,822,036, plus strand): 5'-GTTTGAAGTTCTGAAACATTTGTGCGTAGATAGTTTTTTTCTATTTGACTGTACATGTTA[G>C]CTACTGATTTTTCAAGTTCTGCTAAGTTTTTAACGTGTCTGAGGATGCCTTTTGGTTCTC-3'
Protein context (NP_149045.3, residues 1887-1907): KNLAELEKSV[Ala1897Gly]NMYSQIEKNY